The following is an entry in ClinVar:

NM_000277.3(PAH):c.895T>C (p.Phe299Leu)

Genes: PAH (phenylalanine hydroxylase; minus strand), LOC126861615 (CDK7 strongly-dependent group 2 enhancer GRCh37_chr12:103244689-103245888; plus strand). Cytogenetic location: 12q23.2.
Variant type: single nucleotide variant.
Coding change: c.895T>C on transcript NM_000277.3 (MANE Select); coding-DNA position 895, T replaced by C.
Protein change: p.Phe299Leu; replaces phenylalanine 299 with leucine.
Molecular consequence: missense variant.
Genome position (GRCh38, 1-based): chr12:102,851,704, A>G on the plus strand (T>C on the coding strand, the complement: PAH is on the minus strand). VCF-style: chr12-102851704-A-G. GRCh37 (hg19) VCF-style: chr12-103245482-A-G.
Other names: c.895T>C, p.Phe299Leu (NM_001354304.2); short protein forms F299L.
Identifiers: ClinVar variation 208182 (VCV000208182.3), dbSNP rs796064504, ClinGen allele CA275941.

ClinVar aggregate classification (germline): Uncertain significance. Review status: reviewed by expert panel (3 of 4 stars). 2 submissions from 2 submitters: Uncertain significance (1). 1 of the submissions does not count toward it. Last evaluated 2019-06-09.

Conditions:
Phenylketonuria (PKU). Also called: FOLLING DISEASE; OLIGOPHRENIA PHENYLPYRUVICA; Phenylketonurias; Phenylketonuria (PKU). Identifiers: Orphanet 716, MedGen C0031485, MONDO:0009861, OMIM 261600. Disease mechanism: loss of function.

Submissions (2):

ClinGen PAH Variant Curation Expert Panel
Classification: Uncertain significance for Phenylketonuria. Last evaluated: 2019-06-09. Review status: reviewed by expert panel. Criteria: ClinGen PAH ACMG Specifications v1. Collection method: curation. Allele origin: germline. Inheritance: Autosomal recessive inheritance.
Comment: The c.895T>C (p.Phe299Leu) variant in PAH is reported as Likely Pathogenic by one clinical laboratory in ClinVar (see variant ID 208182); no further information is provided. At the time of review (5/25/19), the variant does not appear to be reported in the published literature and/or in the BioPKU database. The variant results in the substitution of a highly conserved Phenylalanine residue with Leucine; the amino acid substitution is predicted damaging by multiple lines of computational evidence e.g., predicted deleterious in SIFT, Polyphen2, Mutation Taster; REVEL= 0.96) (PP3). It is absent from control databases including ethnically matched individuals, including gnomAD/ExAC, 1000 Genomes, and ESP (PM2). Another missense variant at this site, p.Phe299Cys, has been previously reported Pathogenic/Likely Pathogenic by seven submitters in ClinVar (variant ID 613), where it was noted to be a recurrent allele among Norwegian PKU patients and have in-vitro data supporting that it impaired protein function. Another missense variant at this site, Phe299Ser, has also been reported in the BioPKU database (PAH0800). These reports of those variants support use of PM5.

Inserm U 954, Faculté de Médecine de Nancy
Classification: Likely pathogenic. Review status: no assertion criteria provided. Collection method: not provided. Allele origin: unknown. Not counted in ClinVar's aggregate classification.
Comment: PKU
ClinVar note: Converted during submission from probable-pathogenic to Likely pathogenic.